The following is an entry in ClinVar:

ClinVar aggregate classification (germline): Conflicting classifications of pathogenicity. Review status: criteria provided, conflicting classifications (1 of 4 stars). 12 submissions from 12 submitters: Uncertain significance (7); Likely benign (2). 3 of the submissions do not count toward it. Last evaluated 2026-03-16.

Conditions:
Hereditary cancer-predisposing syndrome. Also called: Neoplastic Syndromes, Hereditary; Hereditary neoplastic syndrome; Tumor predisposition; Hereditary Cancer Syndrome. Identifiers: Orphanet 140162, MedGen C0027672, MeSH D009386, MONDO:0015356.
Hereditary breast ovarian cancer syndrome. Also called: Hereditary breast and/or ovarian cancer syndrome; Breast and ovarian cancer; BRCA1- and BRCA2-Associated Hereditary Breast and Ovarian Cancer; Hereditary breast and ovarian cancer; Hereditary breast and ovarian cancer syndrome; Hereditary breast and ovarian cancer syndrome (HBOC). Identifiers: Orphanet 145, MedGen C0677776, MeSH D061325, MONDO:0003582. Disease mechanism: loss of function.
Breast-ovarian cancer, familial, susceptibility to, 2 (BROVCA2). Also called: BRCA2 Hereditary Breast and Ovarian Cancer. Identifiers: Orphanet 145, MedGen C2675520, MONDO:0012933, OMIM 612555. Disease mechanism: loss of function.
Familial cancer of breast. Also called: BREAST CANCER, FAMILIAL; Hereditary breast cancer; hereditary breast carcinoma. Identifiers: Orphanet 227535, MedGen C0346153, MONDO:0016419, OMIM 114480. Disease mechanism: loss of function.
Malignant tumor of breast. Also called: Cancer breast; Malignant breast neoplasm. Identifiers: MedGen C0006142, MONDO:0007254. Disease mechanism: loss of function.

Allele frequency attached by ClinVar (database versions not stated): gnomAD 0.00001; gnomAD exomes 0.00001; ExAC 0.00002; TOPMed 0.00002.
gnomAD v4.1: 8 of 1,613,640 alleles (0.0005%); highest among the groups gnomAD compares: Non-Finnish European, 0.00068%; no homozygotes.

Submissions (12):

Women's Health and Genetics/Laboratory Corporation of America, LabCorp
Classification: Uncertain significance. Last evaluated: 2026-03-16. Review status: criteria provided, single submitter. Criteria: LabCorp Variant Classification Summary - May 2015. Collection method: clinical testing. Allele origin: germline.
Comment: Variant summary: BRCA2 c.9101A>G (p.Gln3034Arg) results in a conservative amino acid change located in the BRCA2, OB2 domain (IPR048262) of the encoded protein sequence. Algorithms developed to predict the effect of missense changes on protein structure and function all suggest that this variant is likely to be tolerated. The variant allele was found at a frequency of 1.2e-05 in 249328 control chromosomes. The available data on variant occurrences in the general population are insufficient to allow any conclusion about variant significance. c.9101A>G has been reported in individuals affected with fallopian tube cancer (Baudi_2003), breast cancer (Andries_2023) and ovarian cancer (Cotrim_2019) respectively. These report(s) do not provide unequivocal conclusions about association of the variant with Hereditary Breast And Ovarian Cancer Syndrome. To our knowledge, no experimental evidence demonstrating an impact on protein function has been reported. The following publications have been ascertained in the context of this evaluation (PMID: 36775216, 12618335, 30606148, 19043619). ClinVar contains an entry for this variant (Variation ID: 38210). Based on the evidence outlined above, the variant was classified as uncertain significance.

Labcorp Genetics (formerly Invitae), Labcorp
Classification: Likely benign for Hereditary breast ovarian cancer syndrome. Last evaluated: 2026-01-20. Review status: criteria provided, single submitter. Criteria: Invitae Variant Classification Sherloc (09022015). Collection method: clinical testing. Allele origin: germline.

Color Diagnostics, LLC DBA Color Health
Classification: Uncertain significance for Hereditary cancer-predisposing syndrome. Last evaluated: 2025-03-10. Review status: criteria provided, single submitter. Criteria: ACMG Guidelines, 2015. Collection method: clinical testing. Allele origin: germline.
Comment: This missense variant replaces glutamine with arginine at codon 3034 of the BRCA2 protein. Computational prediction suggests that this variant may not impact protein structure and function. A functional study has reported that this variant does not impact BRCA2 function in a haploid cell proliferation assay (PMID: 39779857). This variant has been reported in one individual each affected with ovarian cancer and fallopian tube cancer (PMID: 12618335, 30606148). Multifactorial analyses have reported likelihood ratios (LR) for pathogenicity reaching a combined LR of 1.58 (PMID: 31131967, 31853058). This variant has been identified in 3/249328 chromosomes in the general population by the Genome Aggregation Database (gnomAD). The available evidence is insufficient to determine the role of this variant in disease conclusively. Therefore, this variant is classified as a Variant of Uncertain Significance.

Ambry Genetics
Classification: Uncertain significance for Hereditary cancer-predisposing syndrome. Last evaluated: 2024-12-27. Review status: criteria provided, single submitter. Criteria: Ambry Variant Classification Scheme 2023. Collection method: clinical testing. Allele origin: germline.
Comment: The p.Q3034R variant (also known as c.9101A>G), located in coding exon 22 of the BRCA2 gene, results from an A to G substitution at nucleotide position 9101. The glutamine at codon 3034 is replaced by arginine, an amino acid with highly similar properties. This alteration has been reported in individuals diagnosed with fallopian tube and/or ovarian cancer (Baudi F et al. Cancer Lett. 2003 Mar; 191(2):211-4; Casarsa S et al. Oncol. Rep. 2004 Aug; 12(2):313-6; Cotrim D et al. BMC Cancer 2019 Jan;19(1):4). This amino acid position is not well conserved in available vertebrate species. In addition, the in silico prediction for this alteration is inconclusive. Based on the available evidence, the clinical significance of this variant remains unclear.

Mendelics
Classification: Likely benign for Hereditary cancer-predisposing syndrome. Last evaluated: 2024-04-08. Review status: criteria provided, single submitter. Criteria: ACMG Guidelines, 2015. Collection method: clinical testing. Allele origin: unknown.

Baylor Genetics
Classification: Uncertain significance for Familial cancer of breast. Last evaluated: 2024-03-09. Review status: criteria provided, single submitter. Criteria: ACMG Guidelines, 2015. Collection method: clinical testing. Allele origin: unknown.

GeneDx
Classification: Uncertain significance. Last evaluated: 2024-03-04. Review status: criteria provided, single submitter. Criteria: GeneDx Variant Classification Process June 2021. Collection method: clinical testing. Allele origin: germline. Affected: yes.
Comment: Not observed at significant frequency in large population cohorts (gnomAD); In silico analysis suggests this variant may impact gene splicing. In the absence of RNA/functional studies, the actual effect of this sequence change is unknown.; In silico analysis supports that this missense variant does not alter protein structure/function; Also known as 9329A>G; This variant is associated with the following publications: (PMID: 30606148, 28726806, 22632462, 12618335, 19043619, 19818148, 18546620, 25569433, 15254695, 29884841, 32377563, 31853058, 31131967, 12228710, 36775216)

All of Us Research Program, National Institutes of Health
Classification: Uncertain significance for Breast-ovarian cancer, familial, susceptibility to, 2. Last evaluated: 2023-08-08. Review status: criteria provided, single submitter. Criteria: ACMG Guidelines, 2015. Collection method: clinical testing. Allele origin: germline. Inheritance: Autosomal dominant inheritance. Observed: 1 variant allele, 1 heterozygote.
Comment: This missense variant replaces glutamine with arginine at codon 3034 of the BRCA2 protein. Computational prediction suggests that this variant may not impact protein structure and function (internally defined REVEL score threshold <= 0.5, PMID: 27666373). To our knowledge, functional studies have not been reported for this variant. This variant has been reported in individuals affected with fallopian tube or ovarian cancer (PMID: 12618335, 30606148). This variant has been identified in 3/249328 chromosomes in the general population by the Genome Aggregation Database (gnomAD). The available evidence is insufficient to determine the role of this variant in disease conclusively. Therefore, this variant is classified as a Variant of Uncertain Significance.

This study involves interpretation of variants in research participants for the purpose of population health screening. Participant phenotype was not available at the time of variant classification. Additional details can be found in publication PMID: 35346344, PMCID: PMC8962531

Blueprint Genetics
Classification: Uncertain significance. Last evaluated: 2019-06-25. Review status: criteria provided, single submitter. Criteria: ACMG Guidelines, 2015. Collection method: clinical testing. Allele origin: germline.

Sharing Clinical Reports Project (SCRP)
Classification: Uncertain significance for Breast-ovarian cancer, familial 2. Last evaluated: 2009-10-09. Review status: no assertion criteria provided. Collection method: clinical testing. Allele origin: germline. Not counted in ClinVar's aggregate classification.

Breast Cancer Information Core (BIC) (BRCA2)
Classification: Uncertain significance for Breast-ovarian cancer, familial 2. Last evaluated: 2002-05-29. Review status: no assertion criteria provided. Collection method: clinical testing. Allele origin: germline. Affected: yes. Observed: 2 variant alleles. Not counted in ClinVar's aggregate classification.

Department of Pathology and Laboratory Medicine, Sinai Health System
Classification: Uncertain significance for Malignant tumor of breast. Review status: no assertion criteria provided. Collection method: clinical testing. Allele origin: unknown. Affected: yes. Observed: 1 variant allele. Study: The Canadian Open Genetics Repository (COGR). Not counted in ClinVar's aggregate classification.
Comment: The p.Gln3034Arg variant has been previously reported in the literature in one individual with Fallopian tube cancer and absent from 100 population controls (Baudi 2003). Two records of this variant were identified in the BIC database with a classification of "unknown clinical significance". The variant is reported from a "Clinical Source" in the dbSNP database with no frequency information (ID#:rs80359164), and so the frequency in the general population is not known. The p.Gln3034 variant is conserved in mammals but not in lower vertebrates. In fact, chicken has the variant amino acid Arginine (Arg) at this position, increasing the likelihood that this variant does not have clinical significance. In addition, computational analyses (SIFT, AlignGVGD) do not suggest a high likelihood of impact to the protein. One study, developed a likelihood ratio model based on protein sequence, conservation and structure and determined the variant to be neutral, however, this information is not predictive enough to rule out pathogenicity (Karchin 2008). In summary, based on the above information, the clinical significance of this variant cannot be determined with certainty at this time. This variant is classified as a variant of unknown significance.

Literature cited by the submitters: PubMed 19043619 (cited by Women's Health and Genetics/Laboratory Corporation of America, LabCorp and Ambry Genetics); PubMed 30606148 (cited by 3 submitters); PubMed 12618335 (cited by 4 submitters); PubMed 36775216 (cited by Women's Health and Genetics/Laboratory Corporation of America, LabCorp); PubMed 31131967 (cited by Color Diagnostics, LLC DBA Color Health); PubMed 31853058 (cited by Color Diagnostics, LLC DBA Color Health); PubMed 39779857 (cited by Color Diagnostics, LLC DBA Color Health); PubMed 15254695 (cited by Ambry Genetics).

NM_000059.4(BRCA2):c.9101A>G (p.Gln3034Arg)

Gene: BRCA2 (BRCA2 DNA repair associated; plus strand). Cytogenetic location: 13q13.1.
Variant type: single nucleotide variant.
Coding change: c.9101A>G on transcript NM_000059.4 (MANE Select); coding-DNA position 9101, A replaced by G.
Protein change: p.Gln3034Arg; replaces glutamine 3034 with arginine.
Molecular consequence: missense variant.
Genome position (GRCh38, 1-based): chr13:32,379,897, A>G. VCF-style: chr13-32379897-A-G. GRCh37 (hg19) VCF-style: chr13-32954034-A-G.
Other names: 9329A>G; short protein forms Q3034R.
Identifiers: ClinVar variation 38210 (VCV000038210.31), dbSNP rs80359164, ClinGen allele CA025979.